The following is an entry in ClinVar:

NM_001319211.2(CDC14A):c.-125-1978A>G

Gene: CDC14A (cell division cycle 14A; plus strand). Cytogenetic location: 1p21.2.
Variant type: single nucleotide variant.
Coding change: c.-125-1978A>G on transcript NM_001319211.2; 1978 bases into the intron before 125 bases upstream of the start codon, A replaced by G.
Molecular consequence: intron variant.
Genome position (GRCh38, 1-based): chr1:100,351,784, A>G. VCF-style: chr1-100351784-A-G. GRCh37 (hg19) VCF-style: chr1-100817340-A-G.
Identifiers: ClinVar variation 2638939 (VCV002638939.22), dbSNP rs199528581, ClinGen allele CA970362.

ClinVar aggregate classification (germline): Likely benign (1 of 4 stars; one submission).

Allele frequency attached by ClinVar (database versions not stated): gnomAD exomes 0.00041; gnomAD 0.00050; TOPMed 0.00059; ExAC 0.00328.
gnomAD v4.1: 703 of 1,550,490 alleles (0.045%); highest among the groups gnomAD compares: Admixed American, 0.025%; 3 homozygotes.

Submission:

CeGaT Center for Human Genetics Tuebingen
Classification: Likely benign. Last evaluated: 2024-07-01. Review status: criteria provided, single submitter. Criteria: CeGaT Center For Human Genetics Tuebingen Variant Classification Criteria Version 2. Collection method: clinical testing. Allele origin: germline. Affected: yes. Observed: 3 variant alleles.
Comment: CDC14A: BP4, BS2